The following is an entry in ClinVar:

NM_018051.5(DYNC2I1):c.1241_1242del (p.Lys414fs)

Gene: DYNC2I1 (dynein 2 intermediate chain 1; plus strand). Cytogenetic location: 7q36.3.
Variant type: Deletion.
Coding change: c.1241_1242del on transcript NM_018051.5 (MANE Select); coding-DNA positions 1241 to 1242, 2 bases deleted (AG; older notation c.1241_1242delAG).
Protein change: p.Lys414fs; shifts the reading frame from lysine 414.
Molecular consequence: frameshift variant. On other transcripts: 5 prime UTR variant (3).
Genome position (GRCh38, 1-based): chr7:158,902,479-158,902,480, AG deleted. VCF-style (leftmost placement, unchanged base first): chr7-158902478-AAG-A. GRCh37 (hg19) VCF-style: chr7-158695169-AAG-A.
Other names: c.1103_1104del, p.Lys368fs (NM_001350914.2); c.668_669del, p.Lys223fs (NM_001350915.2); c.-118_-117del (NM_001350916.2); c.-126_-125del (NM_001350917.2, NM_001350918.2); short protein forms K223fs, K368fs, K414fs.
Identifiers: ClinVar variation 4880141 (VCV004880141.1).
Genomic context (GRCh38, chr7:158,902,478, plus strand): 5'-GAAAGCAGTAATGAACCTGAGTCAAGAGAAAAACTGGAAGAACTTCCTCTAGCTCAAAAA[AAG>A]GAAATACAAGAAATTCAAAGAGCTATTAATGCAGAAAATGAAAGGATTGGCGAGTTATCT-3'

ClinVar aggregate classification (germline): Pathogenic (1 of 4 stars; one submission).

Conditions:
Primary ciliary dyskinesia. Also called: Ciliary dyskinesia. Identifiers: Orphanet 244, MedGen C0008780, MONDO:0016575, HP:0012265.

Submission:

Department of Human Genetics, Hannover Medical School
Classification: Pathogenic for Primary Ciliary Dyskinesia. Last evaluated: 2026-04-01. Review status: criteria provided, single submitter. Criteria: ACMG Guidelines, 2015. Collection method: research. Allele origin: germline. Affected: no.
Comment: Classification performed by HerediClassify using the following criteria:['PM2_supporting: Variant occures does not occur as homozygous in gnomAD.', 'PVS1_protein_very_strong: Transcript ENST00000407559 is predicted to undergo NMD.', "PP4_supporting: The PICADAR socre of 5.0 exceeds threshold of 5 achieving 'supporting' evidence strength."]